The following is an entry in ClinVar:

NM_014141.6(CNTNAP2):c.3653C>T (p.Pro1218Leu)

Gene: CNTNAP2 (contactin associated protein 2; plus strand). Cytogenetic location: 7q36.1.
Variant type: single nucleotide variant.
Coding change: c.3653C>T on transcript NM_014141.6 (MANE Select); coding-DNA position 3653, C replaced by T.
Protein change: p.Pro1218Leu; replaces proline 1218 with leucine.
Molecular consequence: missense variant.
Genome position (GRCh38, 1-based): chr7:148,383,826, C>T. VCF-style: chr7-148383826-C-T. GRCh37 (hg19) VCF-style: chr7-148080918-C-T.
Other names: short protein forms P1218L.
Identifiers: ClinVar variation 451596 (VCV000451596.7), dbSNP rs758768018, ClinGen allele CA4546719.

ClinVar aggregate classification (germline): Uncertain significance. Review status: criteria provided, multiple submitters, no conflicts (2 of 4 stars). 2 submissions from 2 submitters: Uncertain significance (2). Last evaluated 2024-03-14.

Conditions:
Cortical dysplasia-focal epilepsy syndrome (PTHSL1). Also called: Pitt-Hopkins-like syndrome 1. Identifiers: Orphanet 163681, Orphanet 221150, MedGen C2750246, MONDO:0012400, OMIM 610042.

Allele frequency attached by ClinVar (database versions not stated): TOPMed below 0.00001; gnomAD 0.00001; ExAC 0.00002; gnomAD exomes 0.00004.
gnomAD v4.1: 47 of 1,613,994 alleles (0.0029%); highest among the groups gnomAD compares: South Asian, 0.016%; no homozygotes.

Submissions (2):

Labcorp Genetics (formerly Invitae), Labcorp
Classification: Uncertain significance for Cortical dysplasia-focal epilepsy syndrome. Last evaluated: 2024-03-14. Review status: criteria provided, single submitter. Criteria: Invitae Variant Classification Sherloc (09022015). Collection method: clinical testing. Allele origin: germline.
Comment: This sequence change replaces proline, which is neutral and non-polar, with leucine, which is neutral and non-polar, at codon 1218 of the CNTNAP2 protein (p.Pro1218Leu). This variant is present in population databases (rs758768018, gnomAD 0.02%). This variant has not been reported in the literature in individuals affected with CNTNAP2-related conditions. ClinVar contains an entry for this variant (Variation ID: 451596). An algorithm developed to predict the effect of missense changes on protein structure and function (PolyPhen-2) suggests that this variant¬†is likely to be tolerated. In summary, the available evidence is currently insufficient to determine the role of this variant in disease. Therefore, it has been classified as a Variant of Uncertain Significance.

GeneDx
Classification: Uncertain significance. Last evaluated: 2017-08-23. Review status: criteria provided, single submitter. Criteria: GeneDx Variant Classification (06012015). Collection method: clinical testing. Allele origin: germline. Affected: yes.
Comment: The P1218L variant has not been published as a pathogenic variant, nor has it been reported as a benign variant to our knowledge. The P1218L variant is not observed at a significant frequency in large population cohorts (Lek et al., 2016; 1000 Genomes Consortium et al., 2015; Exome Variant Server). The P1218L variant is a semi-conservative amino acid substitution, which may impact secondary protein structure as these residues differ in some properties. This substitution occurs at a position that is conserved across species, and in silico analysis predicts this variant is probably damaging to the protein structure/function. Therefore, based on the currently available information, it is unclear whether this variant is a pathogenic variant or a rare benign variant.